The following is an entry in ClinVar:

NM_000504.4(F10):c.161A>G (p.Glu54Gly)

Genes: F10-AS1 (F10 antisense RNA 1; minus strand), F10 (coagulation factor X; plus strand). Cytogenetic location: 13q34.
Variant type: single nucleotide variant.
Coding change: c.161A>G on transcript NM_000504.4 (MANE Select); coding-DNA position 161, A replaced by G.
Protein change: p.Glu54Gly; replaces glutamic acid 54 with glycine.
Molecular consequence: missense variant.
Genome position (GRCh38, 1-based): chr13:113,129,542, A>G. VCF-style: chr13-113129542-A-G. GRCh37 (hg19) VCF-style: chr13-113783856-A-G.
Other names: F10, GLU14GLY; E14G; Factor X Ketchikan; c.161A>G, p.Glu54Gly (NM_001312674.2, NM_001312675.2); short protein forms E54G.
Identifiers: ClinVar variation 627253 (VCV000627253.7), dbSNP rs121964944, ClinGen allele CA7060367.

ClinVar aggregate classification (germline): Conflicting classifications of pathogenicity. Review status: criteria provided, conflicting classifications (1 of 4 stars). 4 submissions from 4 submitters: Likely pathogenic (2); Uncertain significance (1). 1 of the submissions does not count toward it. Last evaluated 2026-07-17.

Conditions:
Hereditary factor X deficiency disease. Also called: Congenital factor X deficiency; STUART-PROWER FACTOR DEFICIENCY. Identifiers: Orphanet 328, MedGen C0272327, MONDO:0009212, OMIM 227600.
F10-related disorders.
F10-related disorder. Also called: F10-related condition.
Factor X deficiency. Also called: F10 DEFICIENCY. Identifiers: MedGen C0015519, MeSH D005171, MONDO:0002247.

Allele frequency attached by ClinVar (database versions not stated): TOPMed below 0.00001; gnomAD exomes 0.00001; ExAC 0.00002.
gnomAD v4.1: 21 of 1,614,192 alleles (0.0013%); highest among the groups gnomAD compares: Non-Finnish European, 0.0018%; no homozygotes.

Submissions (4):

PreventionGenetics, part of Exact Sciences
Classification: Uncertain significance for F10-related condition. Last evaluated: 2026-07-17. Review status: criteria provided, single submitter. Criteria: ACMG Guidelines, 2015. Collection method: clinical testing. Allele origin: germline.
Comment: The F10 c.161A>G variant is predicted to result in the amino acid substitution p.Glu54Gly. This variant, also described as p.Glu14Gly, has been reported in two individuals with factor X deficiency and in one individual with a coagulation defect (Kim et al. 1995. PubMed ID: 7860069; Krumb et al. 2023. PubMed ID: 37678549; Table S3, Downes et al. 2019. PubMed ID: 31064749). It has also been identified in the heterozygous state in an individual with a low factor X activity level but normal factor X antigen levels (Table S2, Paraboschi et al. 2020. PubMed ID: 31699787). This variant is reported in 0.0018% of alleles in individuals of European (non-Finnish) descent in gnomAD and is interpreted by one institution as likely pathogenic in ClinVar (Variation ID: 627353). Although we suspect that this variant may be pathogenic, at this time, the clinical significance of this variant is uncertain due to the absence of conclusive functional and genetic evidence.

Blueprint Genetics
Classification: Likely pathogenic for F10-related disorders. Last evaluated: 2021-12-15. Review status: criteria provided, single submitter. Criteria: ACMG Guidelines, 2015. Collection method: clinical testing. Allele origin: germline. Affected: yes. Observed: 1 variant allele.

NIHR Bioresource Rare Diseases, University of Cambridge
Classification: Likely pathogenic for Hereditary factor X deficiency disease. Last evaluated: 2019-02-01. Review status: criteria provided, single submitter. Criteria: ACMG Guidelines, 2015. Collection method: research. Allele origin: unknown. Affected: yes. Observed: 1 heterozygote. Study: ThromboGenomics.

OMIM
Classification: Pathogenic for FACTOR X DEFICIENCY. Last evaluated: 1995-02-01. Review status: no assertion criteria provided. Collection method: literature only. Allele origin: germline. Not counted in ClinVar's aggregate classification.

Literature cited by the submitters: PubMed 31064749 (cited by NIHR Bioresource Rare Diseases, University of Cambridge); PubMed 7860069 (cited by OMIM).